The following is an entry in ClinVar:

NM_000531.6(OTC):c.628A>C (p.Lys210Gln)

Gene: OTC (ornithine transcarbamylase; plus strand). Cytogenetic location: Xp11.4.
Variant type: single nucleotide variant.
Coding change: c.628A>C on transcript NM_000531.6 (MANE Select); coding-DNA position 628, A replaced by C.
Protein change: p.Lys210Gln; replaces lysine 210 with glutamine.
Molecular consequence: missense variant.
Genome position (GRCh38, 1-based): chrX:38,403,705, A>C. VCF-style: chrX-38403705-A-C. GRCh37 (hg19) VCF-style: chrX-38262958-A-C.
Other names: short protein forms K210Q.
Identifiers: ClinVar variation 97276 (VCV000097276.2), dbSNP rs72558418, ClinGen allele CA224718.

ClinVar aggregate classification (germline): Pathogenic (0 of 4 stars; one submission).

Submission:

GenMed Metabolism Lab
Classification: Pathogenic. Review status: no assertion criteria provided. Collection method: not provided. Allele origin: unknown.
ClinVar note: Converted during submission from pathogenic to Pathogenic.